The following is an entry in ClinVar:

NM_006015.6(ARID1A):c.2624T>G (p.Met875Arg)

Gene: ARID1A (AT-rich interaction domain 1A; plus strand). Cytogenetic location: 1p36.11.
Variant type: single nucleotide variant.
Coding change: c.2624T>G on transcript NM_006015.6 (MANE Select); coding-DNA position 2624, T replaced by G.
Protein change: p.Met875Arg; replaces methionine 875 with arginine.
Molecular consequence: missense variant.
Genome position (GRCh38, 1-based): chr1:26,763,177, T>G. VCF-style: chr1-26763177-T-G. GRCh37 (hg19) VCF-style: chr1-27089668-T-G.
Other names: c.2624T>G, p.Met875Arg (NM_139135.4); short protein forms M875R.
Identifiers: ClinVar variation 2813679 (VCV002813679.3), dbSNP rs2124069594, ClinGen allele CA339157302.
Genomic context (GRCh38, chr1:26,763,177, plus strand): 5'-CAGGGAGGATGAGTCACGCCTCCATGGGCAACCGGCCTTATGGCCCTAACATGGCCAATA[T>G]GCCACCTCAGGTTGGGTCAGGGATGTGTCCCCCACCAGGGGGCATGAACCGGAAAACCCA-3'
Protein context (NP_006006.3, residues 865-885): NRPYGPNMAN[Met875Arg]PPQVGSGMCP

ClinVar aggregate classification (germline): Uncertain significance (1 of 4 stars; one submission).

Submission:

Labcorp Genetics (formerly Invitae), Labcorp
Classification: Uncertain significance. Last evaluated: 2025-10-01. Review status: criteria provided, single submitter. Criteria: Invitae Variant Classification Sherloc (09022015). Collection method: clinical testing. Allele origin: germline.
Comment: This sequence change replaces methionine, which is neutral and non-polar, with arginine, which is basic and polar, at codon 875 of the ARID1A protein (p.Met875Arg). This variant is not present in population databases (gnomAD no frequency). This variant has not been reported in the literature in individuals affected with ARID1A-related conditions. ClinVar contains an entry for this variant (Variation ID: 2813679). Invitae Evidence Modeling of protein sequence and biophysical properties (such as structural, functional, and spatial information, amino acid conservation, physicochemical variation, residue mobility, and thermodynamic stability) has been performed for this missense variant. However, the output from this modeling did not meet the statistical confidence thresholds required to predict the impact of this variant on ARID1A protein function. In summary, the available evidence is currently insufficient to determine the role of this variant in disease. Therefore, it has been classified as a Variant of Uncertain Significance.